The following is an entry in ClinVar:

NM_001374736.1(DST):c.16195G>T (p.Ala5399Ser)

Gene: DST (dystonin; minus strand). Cytogenetic location: 6p12.1.
Variant type: single nucleotide variant.
Coding change: c.16195G>T on transcript NM_001374736.1 (MANE Select); coding-DNA position 16195, G replaced by T.
Protein change: p.Ala5399Ser; replaces alanine 5399 with serine.
Molecular consequence: missense variant.
Genome position (GRCh38, 1-based): chr6:56,552,597, C>A on the plus strand (G>T on the coding strand, the complement: DST is on the minus strand). VCF-style: chr6-56552597-C-A. GRCh37 (hg19) VCF-style: chr6-56417395-C-A.
Other names: c.9838G>T, p.Ala3280Ser (NM_001144769.5); c.9424G>T, p.Ala3142Ser (NM_001144770.2); c.16195G>T, p.Ala5399Ser (NM_001374722.1); c.15562G>T, p.Ala5188Ser (NM_001374729.1); c.9304G>T, p.Ala3102Ser (NM_001374730.1, NM_001386100.1, NM_183380.4); c.16222G>T, p.Ala5408Ser (NM_001374734.1); c.8326G>T, p.Ala2776Ser (NM_015548.5); short protein forms A3142S, A2776S, A3102S, A3280S, A5399S, A5188S, A5408S.
Identifiers: ClinVar variation 1044906 (VCV001044906.7), dbSNP rs553940584, ClinGen allele CA139206100.
Genomic context (GRCh38, chr6:56,552,597, plus strand): 5'-GCAATGTTTCTGCATCTCTCCCCACTGGAGCCATGCTATCCAGTTCATCATCAAACTCTG[C>A]GAACTGAGAAAACATTTCTCGAATGGTATTCTGGAAATGCCCAATGCCCTGAAGCTTGGT-3'
Protein context (NP_001361665.1, residues 5389-5409): NTIREMFSQF[Ala5399Ser]EFDDELDSMA

ClinVar aggregate classification (germline): Uncertain significance (1 of 4 stars; one submission).

Conditions:
Hereditary sensory and autonomic neuropathy type 6. Also called: Neuropathy, hereditary sensory and autonomic, type VI; HSAN VI. Identifiers: Orphanet 314381, MedGen C3539003, MONDO:0013839, OMIM 614653.
Epidermolysis bullosa simplex 3, localized or generalized intermediate, with BP230 deficiency (EBS3). Also called: Epidermolysis bullosa simplex, autosomal recessive 2; Epidermolysis bullosa simplex due to BP230 deficiency. Identifiers: Orphanet 412181, MedGen C3809470, MONDO:0014180, OMIM 615425.

Allele frequency attached by ClinVar (database versions not stated): TOPMed 0.00001.
gnomAD v4.1: 3 of 1,613,900 alleles (0.00019%); highest among the groups gnomAD compares: South Asian, 0.0011%; no homozygotes.

Submission:

Labcorp Genetics (formerly Invitae), Labcorp
Classification: Uncertain significance for Epidermolysis bullosa simplex 3, localized or generalized intermediate, with BP230 deficiency; Hereditary sensory and autonomic neuropathy type 6. Last evaluated: 2020-10-20. Review status: criteria provided, single submitter. Criteria: Invitae Variant Classification Sherloc (09022015). Collection method: clinical testing. Allele origin: germline.
Comment: This variant is not present in population databases (ExAC no frequency). This variant has not been reported in the literature in individuals with DST-related conditions. Experimental studies and prediction algorithms are not available or were not evaluated, and the functional significance of this variant is currently unknown. In summary, the available evidence is currently insufficient to determine the role of this variant in disease. Therefore, it has been classified as a Variant of Uncertain Significance. This sequence change replaces alanine with serine at codon 2776 of the DST protein (p.Ala2776Ser). The alanine residue is moderately conserved and there is a moderate physicochemical difference between the two amino acids. The DST gene has multiple clinically relevant transcripts. This variant occurs in alternate transcript NM_015548.4, and corresponds to NM_001723.5:c.*62920G>T in the primary transcript.